The following is an entry in ClinVar:

NM_020822.3(KCNT1):c.2875A>G (p.Met959Val)

Gene: KCNT1 (potassium sodium-activated channel subfamily T member 1; plus strand). Cytogenetic location: 9q34.3.
Variant type: single nucleotide variant.
Coding change: c.2875A>G on transcript NM_020822.3 (MANE Select); coding-DNA position 2875, A replaced by G.
Protein change: p.Met959Val; replaces methionine 959 with valine.
Molecular consequence: missense variant.
Genome position (GRCh38, 1-based): chr9:135,784,057, A>G. VCF-style: chr9-135784057-A-G. GRCh37 (hg19) VCF-style: chr9-138675903-A-G.
Other names: c.2740A>G, p.Met914Val (NM_001272003.2); short protein forms M914V, M959V.
Identifiers: ClinVar variation 4854791 (VCV004854791.1).

ClinVar aggregate classification (germline): Uncertain significance (1 of 4 stars; one submission).

Conditions:
Developmental and epileptic encephalopathy, 14 (DEE14). Also called: Early infantile epileptic encephalopathy 14. Identifiers: Orphanet 293181, MedGen C3554195, MONDO:0013989, OMIM 614959.

Submission:

3billion
Classification: Uncertain significance for Developmental and epileptic encephalopathy, 14. Last evaluated: 2025-10-06. Review status: criteria provided, single submitter. Criteria: ACMG Guidelines, 2015. Collection method: clinical testing. Allele origin: germline. Affected: yes.
Comment: The variant is not observed in the gnomAD v4.1.0 dataset. Predicted Consequence/Location: Missense variant. Missense changes are a common disease-causing mechanism. In silico tool predictions suggest damaging effect of the variant on gene or gene product [REVEL: 0.74 (>=0.6, sensitivity 0.68 and specificity 0.92); 3Cnet: 0.99 (> 0.75, sensitivity 0.96 and precision 0.92)]. Different missense changes at the same codon have been reported as of uncertain significance (ClinVar ID: VCV000447647). Therefore, this variant is classified as VUS according to the recommendation of ACMG/AMP guideline.